The following is an entry in ClinVar:

NM_003482.4(KMT2D):c.31A>G (p.Lys11Glu)

Gene: KMT2D (lysine methyltransferase 2D; minus strand). Cytogenetic location: 12q13.12.
Variant type: single nucleotide variant.
Coding change: c.31A>G on transcript NM_003482.4 (MANE Select); coding-DNA position 31, A replaced by G.
Protein change: p.Lys11Glu; replaces lysine 11 with glutamic acid.
Molecular consequence: missense variant.
Genome position (GRCh38, 1-based): chr12:49,055,294, T>C on the plus strand (A>G on the coding strand, the complement: KMT2D is on the minus strand). VCF-style: chr12-49055294-T-C. GRCh37 (hg19) VCF-style: chr12-49449077-T-C.
Other names: short protein forms K11E.
Identifiers: ClinVar variation 2982310 (VCV002982310.3), dbSNP rs2498474255, ClinGen allele CA384691302.
Genomic context (GRCh38, chr12:49,055,294, plus strand): 5'-CCAATGAAATCTAAAAGCAAACAAACAATTTGTCCTACTCACCTGCCGGTTCTGAATCTT[T>C]ATCCTCACCAGCCAGCTTCTGGCTGTCCATCCCTCTCTCCGACTGGGCAGGGCCCTCTCG-3'
Protein context (NP_003473.3, residues 1-21): MDSQKLAGED[Lys11Glu]DSEPAADGPA

ClinVar aggregate classification (germline): Uncertain significance (1 of 4 stars; one submission).

Conditions:
Kabuki syndrome. Also called: Kabuki make-up syndrome; NIIKAWA-KUROKI SYNDROME. Identifiers: Orphanet 2322, MedGen C0796004, MONDO:0016512.

Submission:

Labcorp Genetics (formerly Invitae), Labcorp
Classification: Uncertain significance for Kabuki syndrome. Last evaluated: 2023-06-09. Review status: criteria provided, single submitter. Criteria: Invitae Variant Classification Sherloc (09022015). Collection method: clinical testing. Allele origin: germline.
Comment: In summary, the available evidence is currently insufficient to determine the role of this variant in disease. Therefore, it has been classified as a Variant of Uncertain Significance. Advanced modeling of protein sequence and biophysical properties (such as structural, functional, and spatial information, amino acid conservation, physicochemical variation, residue mobility, and thermodynamic stability) has been performed at Invitae for this missense variant, however the output from this modeling did not meet the statistical confidence thresholds required to predict the impact of this variant on KMT2D protein function. This missense change has been observed in individual(s) with clinical features of KMT2D-related conditions (PMID: 32369273). This variant is not present in population databases (gnomAD no frequency). This sequence change replaces lysine, which is basic and polar, with glutamic acid, which is acidic and polar, at codon 11 of the KMT2D protein (p.Lys11Glu).

Literature cited by the submitters: PubMed 32369273.